The following is an entry in ClinVar:

ClinVar aggregate classification (germline): Uncertain significance (1 of 4 stars; one submission).

Conditions:
Joubert syndrome. Also called: CEREBELLOPARENCHYMAL DISORDER IV; JOUBERT-BOLTSHAUSER SYNDROME; Familial aplasia of the vermis. Identifiers: Orphanet 475, MedGen C5979921, MONDO:0018772.

Submission:

Labcorp Genetics (formerly Invitae), Labcorp
Classification: Uncertain significance for Joubert syndrome. Last evaluated: 2021-12-24. Review status: criteria provided, single submitter. Criteria: Invitae Variant Classification Sherloc (09022015). Collection method: clinical testing. Allele origin: germline.
Comment: In summary, the available evidence is currently insufficient to determine the role of this variant in disease. Therefore, it has been classified as a Variant of Uncertain Significance. Algorithms developed to predict the effect of sequence changes on RNA splicing suggest that this variant may create or strengthen a splice site. Advanced modeling of protein sequence and biophysical properties (such as structural, functional, and spatial information, amino acid conservation, physicochemical variation, residue mobility, and thermodynamic stability) performed at Invitae indicates that this missense variant is not expected to disrupt AHI1 protein function. This variant has not been reported in the literature in individuals affected with AHI1-related conditions. This variant is not present in population databases (gnomAD no frequency). This sequence change replaces arginine, which is basic and polar, with glycine, which is neutral and non-polar, at codon 710 of the AHI1 protein (p.Arg710Gly).

NM_001134831.2(AHI1):c.2128A>G (p.Arg710Gly)

Gene: AHI1 (Abelson helper integration site 1; minus strand). Cytogenetic location: 6q23.3.
Variant type: single nucleotide variant.
Coding change: c.2128A>G on transcript NM_001134831.2 (MANE Select); coding-DNA position 2128, A replaced by G.
Protein change: p.Arg710Gly; replaces arginine 710 with glycine.
Molecular consequence: missense variant.
Genome position (GRCh38, 1-based): chr6:135,433,165, T>C on the plus strand (A>G on the coding strand, the complement: AHI1 is on the minus strand). VCF-style: chr6-135433165-T-C. GRCh37 (hg19) VCF-style: chr6-135754303-T-C.
Other names: c.2128A>G, p.Arg710Gly (NM_001134830.2, NM_001134832.2, NM_001350503.2 and 2 more transcripts); short protein forms R710G.
Identifiers: ClinVar variation 2059051 (VCV002059051.4), dbSNP rs2484605132, ClinGen allele CA365743654.